The following is an entry in ClinVar:

NM_000937.5(POLR2A):c.4627G>A (p.Ala1543Thr)

Gene: POLR2A (RNA polymerase II subunit A; plus strand). Cytogenetic location: 17p13.1.
Variant type: single nucleotide variant.
Coding change: c.4627G>A on transcript NM_000937.5 (MANE Select); coding-DNA position 4627, G replaced by A.
Protein change: p.Ala1543Thr; replaces alanine 1543 with threonine.
Molecular consequence: missense variant.
Genome position (GRCh38, 1-based): chr17:7,512,794, G>A. VCF-style: chr17-7512794-G-A. GRCh37 (hg19) VCF-style: chr17-7416113-G-A.
Other names: short protein forms A1543T.
Identifiers: ClinVar variation 4086389 (VCV004086389.1).

ClinVar aggregate classification (germline): Uncertain significance (1 of 4 stars; one submission).

Submission:

GeneDx
Classification: Uncertain significance. Last evaluated: 2025-03-21. Review status: criteria provided, single submitter. Criteria: GeneDx Variant Classification Process June 2021. Collection method: clinical testing. Allele origin: germline. Affected: yes.
Comment: Not observed at significant frequency in large population cohorts (gnomAD); In silico analysis supports that this missense variant has a deleterious effect on protein structure/function; Has not been previously published as pathogenic or benign to our knowledge